The following is an entry in ClinVar:

NM_032444.4(SLX4):c.1367-2A>G

Gene: SLX4 (SLX4 structure-specific endonuclease subunit; minus strand). Cytogenetic location: 16p13.3.
Variant type: single nucleotide variant.
Coding change: c.1367-2A>G on transcript NM_032444.4 (MANE Select); the canonical splice acceptor site of the intron before coding-DNA position 1367, A replaced by G.
Molecular consequence: splice acceptor variant.
Genome position (GRCh38, 1-based): chr16:3,597,697, T>C on the plus strand (A>G on the coding strand, the complement: SLX4 is on the minus strand). VCF-style: chr16-3597697-T-C. GRCh37 (hg19) VCF-style: chr16-3647698-T-C.
Identifiers: ClinVar variation 929603 (VCV000929603.1), dbSNP rs2040679706, ClinGen allele CA394529223.

ClinVar aggregate classification (germline): Pathogenic (0 of 4 stars; one submission).

Conditions:
Fanconi anemia complementation group P. Also called: SLX4-Related Fanconi Anemia. Identifiers: Orphanet 84, MedGen C3469542, MONDO:0013499, OMIM 613951.

Submission:

Leiden Open Variation Database
Classification: Pathogenic for Fanconi anemia complementation group P. Last evaluated: 2014-10-11. Review status: no assertion criteria provided. Collection method: curation. Allele origin: germline. Affected: yes.
Comment: Curator: Arleen D. Auerbach. Submitter to LOVD: Beatrice Schuster.